The following is an entry in ClinVar:

NM_015692.5(CPAMD8):c.639C>T (p.His213=)

Gene: CPAMD8 (C3 and PZP like alpha-2-macroglobulin domain containing 8; minus strand). Cytogenetic location: 19p13.11.
Variant type: single nucleotide variant.
Coding change: c.639C>T on transcript NM_015692.5 (MANE Select); coding-DNA position 639, C replaced by T.
Protein change: p.His213=; no amino-acid change (histidine 213 retained).
Molecular consequence: synonymous variant. On other transcripts: non-coding transcript variant (1).
Genome position (GRCh38, 1-based): chr19:17,004,307, G>A on the plus strand (C>T on the coding strand, the complement: CPAMD8 is on the minus strand). VCF-style: chr19-17004307-G-A. GRCh37 (hg19) VCF-style: chr19-17115117-G-A.
Other names: c.780C>T (NM_015692.2).
Identifiers: ClinVar variation 2057263 (VCV002057263.30), dbSNP rs144678741, ClinGen allele CA9286020.
Genomic context (GRCh38, chr19:17,004,307, plus strand): 5'-CAAGACCCTGAGATTCTCCAACTTACCATACTTCTGAACTTCAAAAGACTTGTTGTACGC[G>A]TGGCCTTGCATTTCAACAAAAATGAACCATTCTCCCAACACAGGCTGGTCGGACAAGGGG-3'
Protein context (NP_056507.3, residues 203-223): EWFIFVEMQG[His213=]AYNKSFEVQK

ClinVar aggregate classification (germline): Benign/Likely benign. Review status: criteria provided, multiple submitters, no conflicts (2 of 4 stars). 4 submissions from 4 submitters: Benign (1); Likely benign (2). 1 of the submissions does not count toward it. Last evaluated 2025-10-14.

Conditions:
CPAMD8-related disorder. Also called: CPAMD8-related condition.

Allele frequency attached by ClinVar (database versions not stated): ESP Exome Variant Server 0.00017; TOPMed 0.00044; gnomAD 0.00046; ExAC 0.00070; 1000 Genomes Project 30x 0.00312; 1000 Genomes Project 0.00379.
gnomAD v4.1: 436 of 1,611,554 alleles (0.027%); highest among the groups gnomAD compares: East Asian, 0.67%; 2 homozygotes.

Submissions (4):

Labcorp Genetics (formerly Invitae), Labcorp
Classification: Benign. Last evaluated: 2025-10-14. Review status: criteria provided, single submitter. Criteria: Invitae Variant Classification Sherloc (09022015). Collection method: clinical testing. Allele origin: germline.

Blueprint Genetics
Classification: Likely benign. Last evaluated: 2024-11-06. Review status: criteria provided, single submitter. Criteria: ACMG Guidelines, 2015. Collection method: clinical testing. Allele origin: germline.

CeGaT Center for Human Genetics Tuebingen
Classification: Likely benign. Last evaluated: 2023-03-01. Review status: criteria provided, single submitter. Criteria: CeGaT Center For Human Genetics Tuebingen Variant Classification Criteria Version 2. Collection method: clinical testing. Allele origin: germline. Affected: yes. Observed: 1 variant allele.
Comment: CPAMD8: BP4, BP7

PreventionGenetics, part of Exact Sciences
Classification: Benign for CPAMD8-related condition. Last evaluated: 2019-02-22. Review status: no assertion criteria provided. Collection method: clinical testing. Allele origin: germline. Not counted in ClinVar's aggregate classification.
Comment: This variant is classified as benign based on ACMG/AMP sequence variant interpretation guidelines (Richards et al. 2015 PMID: 25741868, with internal and published modifications).